The following is an entry in ClinVar:

NM_182919.4(TICAM1):c.1875G>A (p.Pro625=)

Gene: TICAM1 (TIR domain containing adaptor molecule 1; minus strand). Cytogenetic location: 19p13.3.
Variant type: single nucleotide variant.
Coding change: c.1875G>A on transcript NM_182919.4 (MANE Select); coding-DNA position 1875, G replaced by A.
Protein change: p.Pro625=; no amino-acid change (proline 625 retained).
Molecular consequence: synonymous variant.
Genome position (GRCh38, 1-based): chr19:4,816,503, C>T on the plus strand (G>A on the coding strand, the complement: TICAM1 is on the minus strand). VCF-style: chr19-4816503-C-T. GRCh37 (hg19) VCF-style: chr19-4816515-C-T.
Other names: c.1833G>A, p.Pro611= (NM_001385678.1); c.1740G>A, p.Pro580= (NM_001385679.1); c.1233G>A, p.Pro411= (NM_001385680.1).
Identifiers: ClinVar variation 2959465 (VCV002959465.4), dbSNP rs775069081, ClinGen allele CA9105048.
Genomic context (GRCh38, chr19:4,816,503, plus strand): 5'-GGAGGGCGGTGGGGGGGTGCCAGCCTGCCATGCGTGCAGGGGTGGCGGCTGCGGGCACCC[C>T]GGCCAAGTGGGAAAGGGTGGCGGGGCTCCCAGGGGCACCTGGCCCCCAAAGGGCATTCGA-3'
Protein context (NP_891549.1, residues 615-635): LGAPPPFPTW[Pro625=]GCPQPPPLHA

ClinVar aggregate classification (germline): Likely benign. Review status: criteria provided, multiple submitters, no conflicts (2 of 4 stars). 2 submissions from 2 submitters: Likely benign (2). Last evaluated 2025-12-13.

Conditions:
Encephalopathy, acute, infection-induced (herpes-specific), susceptibility to, 6. Also called: Herpes simplex encephalitis, susceptibility to, 4. Identifiers: Orphanet 1930, MedGen C3553869, MONDO:0013921, OMIM 614850.
TICAM1-related disorder. Also called: TICAM1-related condition.

Allele frequency attached by ClinVar (database versions not stated): TOPMed 0.00001; gnomAD exomes 0.00002; ExAC 0.00003.
gnomAD v4.1: 31 of 1,579,854 alleles (0.002%); highest among the groups gnomAD compares: East Asian, 0.009%; no homozygotes.

Submissions (2):

PreventionGenetics, part of Exact Sciences
Classification: Likely benign for TICAM1-related condition. Last evaluated: 2025-12-13. Review status: criteria provided, single submitter. Criteria: ACMG Guidelines, 2015. Collection method: clinical testing. Allele origin: germline.
Comment: This variant is classified as likely benign based on ACMG/AMP sequence variant interpretation guidelines (Richards et al. 2015 PMID: 25741868, with internal and published modifications).

Labcorp Genetics (formerly Invitae), Labcorp
Classification: Likely benign for Encephalopathy, acute, infection-induced (herpes-specific), susceptibility to, 6. Last evaluated: 2022-11-02. Review status: criteria provided, single submitter. Criteria: Invitae Variant Classification Sherloc (09022015). Collection method: clinical testing. Allele origin: germline.